The following is an entry in ClinVar:

ClinVar aggregate classification (germline): Uncertain significance. Review status: criteria provided, multiple submitters, no conflicts (2 of 4 stars). 2 submissions from 2 submitters: Uncertain significance (2). Last evaluated 2025-07-06.

Conditions:
Inborn genetic diseases. Identifiers: MedGen C0950123, MeSH D030342.
Epidermolysis bullosa simplex 5B, with muscular dystrophy (EBS5B). Also called: Epidermolysis bullosa simplex with muscular dystrophy; EPIDERMOLYSIS BULLOSA SIMPLEX AND LIMB-GIRDLE MUSCULAR DYSTROPHY. Identifiers: Orphanet 257, MedGen C2931072, MONDO:0009181, OMIM 226670.
Epidermolysis bullosa simplex, Ogna type (EBS5A). Also called: EPIDERMOLYSIS BULLOSA SIMPLEX 5A, OGNA TYPE; Pidermolysis bullosa simplex 5A, Ogna type. Identifiers: Orphanet 79401, MedGen C0432317, MONDO:0007555, OMIM 131950.
Epidermolysis bullosa simplex 5C, with pyloric atresia (EBS5C). Also called: PLEC-Related Epidermolysis Bullosa with Pyloric Atresia; Epidermolysis bullosa simplex with pyloric atresia; PLEC1-Related Epidermolysis Bullosa with Pyloric Atresia. Identifiers: Orphanet 158684, MedGen C2677349, MONDO:0012807, OMIM 612138.
Autosomal recessive limb-girdle muscular dystrophy type 2Q (LGMDR17). Also called: MUSCULAR DYSTROPHY, LIMB-GIRDLE, AUTOSOMAL RECESSIVE 17. Identifiers: Orphanet 254361, MedGen C3150989, MONDO:0013390, OMIM 613723.
Epidermolysis bullosa simplex with nail dystrophy (EBS5D). Identifiers: MedGen C4225309, MONDO:0014661, OMIM 616487.

gnomAD v4.1: 7 of 1,606,682 alleles (0.00044%); highest among the groups gnomAD compares: East Asian, 0.011%; no homozygotes.

Submissions (2):

Labcorp Genetics (formerly Invitae), Labcorp
Classification: Uncertain significance for Autosomal recessive limb-girdle muscular dystrophy type 2Q; Epidermolysis bullosa simplex, Ogna type; Epidermolysis bullosa simplex with nail dystrophy; Epidermolysis bullosa simplex 5C, with pyloric atresia; Epidermolysis bullosa simplex 5B, with muscular dystrophy. Last evaluated: 2025-07-06. Review status: criteria provided, single submitter. Criteria: Invitae Variant Classification Sherloc (09022015). Collection method: clinical testing. Allele origin: germline.
Comment: This sequence change replaces alanine, which is neutral and non-polar, with serine, which is neutral and polar, at codon 2247 of the PLEC protein (p.Ala2247Ser). This variant is present in population databases (no rsID available, gnomAD 0.04%). This variant has not been reported in the literature in individuals affected with PLEC-related conditions. ClinVar contains an entry for this variant (Variation ID: 2387913). An algorithm developed to predict the effect of missense changes on protein structure and function (PolyPhen-2) suggests that this variant is likely to be disruptive. In summary, the available evidence is currently insufficient to determine the role of this variant in disease. Therefore, it has been classified as a Variant of Uncertain Significance.

Ambry Genetics
Classification: Uncertain significance for Inborn genetic diseases. Last evaluated: 2022-06-30. Review status: criteria provided, single submitter. Criteria: Ambry Variant Classification Scheme 2023. Collection method: clinical testing. Allele origin: germline.

NM_201384.3(PLEC):c.6658G>T (p.Ala2220Ser)

Gene: PLEC (plectin; minus strand). Cytogenetic location: 8q24.3.
Variant type: single nucleotide variant.
Coding change: c.6658G>T on transcript NM_201384.3 (MANE Select); coding-DNA position 6658, G replaced by T.
Protein change: p.Ala2220Ser; replaces alanine 2220 with serine.
Molecular consequence: missense variant.
Genome position (GRCh38, 1-based): chr8:143,923,271, C>A on the plus strand (G>T on the coding strand, the complement: PLEC is on the minus strand). VCF-style: chr8-143923271-C-A. GRCh37 (hg19) VCF-style: chr8-144997439-C-A.
Other names: c.6739G>T, p.Ala2247Ser (NM_000445.5); c.6616G>T, p.Ala2206Ser (NM_201378.4); c.6592G>T, p.Ala2198Ser (NM_201379.3); c.7069G>T, p.Ala2357Ser (NM_201380.4); c.6562G>T, p.Ala2188Ser (NM_201381.3); c.6658G>T, p.Ala2220Ser (NM_201382.4); c.6670G>T, p.Ala2224Ser (NM_201383.3); short protein forms A2198S, A2206S, A2188S, A2247S, A2220S, A2357S, A2224S.
Identifiers: ClinVar variation 2387913 (VCV002387913.3), dbSNP rs1212728632, ClinGen allele CA4925912.
Genomic context (GRCh38, chr8:143,923,271, plus strand): 5'-GCTCCTCCATCTGCACGCGCACCGAGAAGAGCTCCTCCTCCACCTGGCTGCGCTGGCGTG[C>A]GGCCTCCGTGGCCTCCGCCTTCAGCCGCTGCAGCTCCTCGTCCAGCAGGTTCTTCTGGTG-3'
Protein context (NP_958786.1, residues 2210-2230): QRLKAEATEA[Ala2220Ser]RQRSQVEEEL